The following is an entry in ClinVar:

NC_000023.10:g.(31747866_31792076)_(31947863_31950196)del

Gene: DMD (dystrophin; minus strand). Cytogenetic location: Xp21.1.
Variant type: Deletion.
Identifiers: ClinVar variation 1804762 (VCV001804762.1).

ClinVar aggregate classification (germline): Pathogenic (1 of 4 stars; one submission).

Conditions:
Neuromuscular disease caused by qualitative or quantitative defects of dystrophin. Also called: Qualitative or quantitative defects of dystrophin. Identifiers: Orphanet 207085, MedGen C5679787, MONDO:0016147.

Submission:

Women's Health and Genetics/Laboratory Corporation of America, LabCorp
Classification: Pathogenic for Neuromuscular disease caused by qualitative or quantitative defects of dystrophin. Last evaluated: 2022-11-09. Review status: criteria provided, single submitter. Criteria: LabCorp Variant Classification Summary - May 2015. Collection method: clinical testing. Allele origin: germline.
Comment: Variant summary: The variant identified by MLPA or other technology involves the deletion of exons 47-51 in the DMD gene. A presumed nomenclature of c.(6762+1_6763-1)_(7542+1_7543-1)del has been designated for the purposes of this classification. Although exact breakpoints of this deletion are not known, it is expected to result in a large in-frame deletion change in the DMD gene, a known mechanism of disease. The variant was absent in 16120 control chromosomes (gnomAD, Structural Variants dataset). Deletion of exons 47-51 has been reported in the literature in multiple individuals affected with Dystrophinopathies (e.g. Milic Rasic_2015, Zamani_2015, Toksoy_2019). These data indicate that the variant is very likely to be associated with disease. No clinical diagnostic laboratories have submitted clinical-significance assessments for this variant to ClinVar after 2014. Based on the evidence outlined above, the variant was classified as pathogenic.

Literature cited by the submitters: PubMed 26081009; PubMed 25937795; PubMed 31443951.